The following is an entry in ClinVar:

NM_001009999.3(KDM1A):c.1646A>G (p.Asp549Gly)

Gene: KDM1A (lysine demethylase 1A; plus strand). Cytogenetic location: 1p36.12.
Variant type: single nucleotide variant.
Coding change: c.1646A>G on transcript NM_001009999.3 (MANE Select); coding-DNA position 1646, A replaced by G.
Protein change: p.Asp549Gly; replaces aspartic acid 549 with glycine.
Molecular consequence: missense variant.
Genome position (GRCh38, 1-based): chr1:23,073,315, A>G. VCF-style: chr1-23073315-A-G. GRCh37 (hg19) VCF-style: chr1-23399808-A-G.
Other names: c.1592A>G, p.Asp531Gly (NM_001363654.2); c.1652A>G, p.Asp551Gly (NM_001410762.1); c.1574A>G, p.Asp525Gly (NM_001410763.1, NM_015013.4); short protein forms D525G, D531G, D549G, D551G.
Identifiers: ClinVar variation 3900189 (VCV003900189.1).

ClinVar aggregate classification (germline): Uncertain significance (1 of 4 stars; one submission).

Submission:

GeneDx
Classification: Uncertain significance. Last evaluated: 2024-11-26. Review status: criteria provided, single submitter. Criteria: GeneDx Variant Classification Process June 2021. Collection method: clinical testing. Allele origin: germline. Affected: yes.
Comment: Not observed at significant frequency in large population cohorts (gnomAD); In silico analysis supports that this missense variant has a deleterious effect on protein structure/function; Has not been previously published as pathogenic or benign to our knowledge